The following is an entry in ClinVar:

NM_000275.3(OCA2):c.2195C>T (p.Ser732Leu)

Gene: OCA2 (OCA2 melanosomal transmembrane protein; minus strand). Cytogenetic location: 15q13.1.
Variant type: single nucleotide variant.
Coding change: c.2195C>T on transcript NM_000275.3 (MANE Select); coding-DNA position 2195, C replaced by T.
Protein change: p.Ser732Leu; replaces serine 732 with leucine.
Molecular consequence: missense variant.
Genome position (GRCh38, 1-based): chr15:27,871,203, G>A on the plus strand (C>T on the coding strand, the complement: OCA2 is on the minus strand). VCF-style: chr15-27871203-G-A. GRCh37 (hg19) VCF-style: chr15-28116349-G-A.
Other names: c.2123C>T, p.Ser708Leu (NM_001300984.2); short protein forms S708L, S732L.
Identifiers: ClinVar variation 3721613 (VCV003721613.2).

ClinVar aggregate classification (germline): Pathogenic (1 of 4 stars; one submission).

gnomAD v4.1: 2 of 1,614,196 alleles (0.00012%); highest among the groups gnomAD compares: African/African-American, 0.0013%; no homozygotes.

Submission:

Labcorp Genetics (formerly Invitae), Labcorp
Classification: Pathogenic. Last evaluated: 2024-02-06. Review status: criteria provided, single submitter. Criteria: Invitae Variant Classification Sherloc (09022015). Collection method: clinical testing. Allele origin: germline.
Comment: This sequence change replaces serine, which is neutral and polar, with leucine, which is neutral and non-polar, at codon 732 of the OCA2 protein (p.Ser732Leu). This variant is not present in population databases (gnomAD no frequency). This missense change has been observed in individual(s) with oculocutaneous albinism (PMID: 18821858, 27734839, 29345414). In at least one individual the data is consistent with being in trans (on the opposite chromosome) from a pathogenic variant. Advanced modeling of protein sequence and biophysical properties (such as structural, functional, and spatial information, amino acid conservation, physicochemical variation, residue mobility, and thermodynamic stability) performed at Invitae indicates that this missense variant is expected to disrupt OCA2 protein function with a positive predictive value of 80%. For these reasons, this variant has been classified as Pathogenic.

Literature cited by the submitters: PubMed 18821858; PubMed 27734839; PubMed 29345414.